The following is an entry in ClinVar:

ClinVar aggregate classification (germline): Uncertain significance (1 of 4 stars; one submission).

Conditions:
Neutropenia, severe congenital, 1, autosomal dominant. Identifiers: MedGen C1859966, MONDO:0042490, OMIM 202700.
Cyclical neutropenia. Also called: Cyclic hematopoiesis; Cyclic Neutropenia. Identifiers: Orphanet 2686, MedGen C0221023, MONDO:0008090, OMIM 162800, HP:0040289. Disease mechanism: loss of function.

Submission:

Labcorp Genetics (formerly Invitae), Labcorp
Classification: Uncertain significance for Neutropenia, severe congenital, 1, autosomal dominant; Cyclical neutropenia. Last evaluated: 2022-11-10. Review status: criteria provided, single submitter. Criteria: Invitae Variant Classification Sherloc (09022015). Collection method: clinical testing. Allele origin: germline.
Comment: This sequence change replaces valine, which is neutral and non-polar, with leucine, which is neutral and non-polar, at codon 119 of the ELANE protein (p.Val119Leu). This variant is not present in population databases (gnomAD no frequency). This variant has not been reported in the literature in individuals affected with ELANE-related conditions. Advanced modeling of protein sequence and biophysical properties (such as structural, functional, and spatial information, amino acid conservation, physicochemical variation, residue mobility, and thermodynamic stability) performed at Invitae indicates that this missense variant is expected to disrupt ELANE protein function. In summary, the available evidence is currently insufficient to determine the role of this variant in disease. Therefore, it has been classified as a Variant of Uncertain Significance.

NM_001972.4(ELANE):c.355G>C (p.Val119Leu)

Gene: ELANE (elastase, neutrophil expressed; plus strand). Cytogenetic location: 19p13.3.
Variant type: single nucleotide variant.
Coding change: c.355G>C on transcript NM_001972.4 (MANE Select); coding-DNA position 355, G replaced by C.
Protein change: p.Val119Leu; replaces valine 119 with leucine.
Molecular consequence: missense variant.
Genome position (GRCh38, 1-based): chr19:853,392, G>C. VCF-style: chr19-853392-G-C. GRCh37 (hg19) VCF-style: chr19-853392-G-C.
Other names: short protein forms V119L.
Identifiers: ClinVar variation 2941465 (VCV002941465.3), dbSNP rs2035627465, ClinGen allele CA402916389.
Genomic context (GRCh38, chr19:853,392, plus strand): 5'-TTCGCCGTGCAGCGCATCTTCGAAAACGGCTACGACCCCGTAAACTTGCTCAACGACATC[G>C]TGATTCTCCAGGTGCCGCCGGGCGGGGCGGGGGGCGCAGGGGCGGAGGCCAGAGGCCTGG-3'
Protein context (NP_001963.1, residues 109-129): YDPVNLLNDI[Val119Leu]ILQLNGSATI